The following is an entry in ClinVar:

ClinVar aggregate classification (germline): Uncertain significance (1 of 4 stars; one submission).

Allele frequency attached by ClinVar (database versions not stated): gnomAD 0.00001; TOPMed below 0.00001.
gnomAD v4.1: 1 of 1,613,854 alleles (0.000062%); highest among the groups gnomAD compares: African/African-American, 0.0013%; no homozygotes.

Submission:

Labcorp Genetics (formerly Invitae), Labcorp
Classification: Uncertain significance. Last evaluated: 2021-03-12. Review status: criteria provided, single submitter. Criteria: Invitae Variant Classification Sherloc (09022015). Collection method: clinical testing. Allele origin: germline.
Comment: In summary, the available evidence is currently insufficient to determine the role of this variant in disease. Therefore, it has been classified as a Variant of Uncertain Significance. Algorithms developed to predict the effect of missense changes on protein structure and function are either unavailable or do not agree on the potential impact of this missense change (SIFT: "Deleterious"; PolyPhen-2: "Not Available"; Align-GVGD: "Class C65"). This variant has been observed in individual(s) with clinical features of Usher syndrome (Invitae). This variant is not present in population databases (ExAC no frequency). This sequence change replaces leucine with arginine at codon 1303 of the CDH23 protein (p.Leu1303Arg). The leucine residue is highly conserved and there is a moderate physicochemical difference between leucine and arginine.

NM_022124.6(CDH23):c.3908T>G (p.Leu1303Arg)

Genes: C10orf105 (chromosome 10 open reading frame 105; minus strand), CDH23 (cadherin related 23; plus strand). Cytogenetic location: 10q22.1.
Variant type: single nucleotide variant.
Coding change: c.3908T>G on transcript NM_022124.6 (MANE Select); coding-DNA position 3908, T replaced by G.
Protein change: p.Leu1303Arg; replaces leucine 1303 with arginine.
Molecular consequence: missense variant. On other transcripts: intron variant (1).
Genome position (GRCh38, 1-based): chr10:71,732,179, T>G. VCF-style: chr10-71732179-T-G. GRCh37 (hg19) VCF-style: chr10-73491936-T-G.
Other names: c.3908T>G, p.Leu1303Arg (NM_001171930.2); c.-6+5549A>C (NM_001168390.2); short protein forms L1303R.
Identifiers: ClinVar variation 1497984 (VCV001497984.8), dbSNP rs903599235, ClinGen allele CA209480532.